The following is an entry in ClinVar:

ClinVar aggregate classification (germline): Benign. Review status: criteria provided, multiple submitters, no conflicts (2 of 4 stars). 2 submissions from 2 submitters: Benign (2). Last evaluated 2017-04-27.

Conditions:
X-linked lymphoproliferative disease due to XIAP deficiency. Also called: XIAP DEFICIENCY; XIAP-Related Lymphoproliferative Disease, X-Linked. Identifiers: Orphanet 2442, Orphanet 538934, MedGen C1845076, MONDO:0010385, OMIM 300635.

Allele frequency attached by ClinVar (database versions not stated): 1000 Genomes Project 0.02172; 1000 Genomes Project 30x 0.02206; ExAC 0.04183; TOPMed 0.04310; gnomAD 0.04662 and 0.04760; gnomAD exomes 0.04833 and 0.05263.
gnomAD v4.1: 16,223 of 320,842 alleles (5.1%); highest among the groups gnomAD compares: Non-Finnish European, 6.8%; 395 homozygotes.

Submissions (2):

Illumina Laboratory Services, Illumina
Classification: Benign for X-linked lymphoproliferative disease due to XIAP deficiency. Last evaluated: 2017-04-27. Review status: criteria provided, single submitter. Criteria: ICSL Variant Classification Criteria 13 December 2019. Collection method: clinical testing. Allele origin: germline.
Comment: This variant was observed as part of a predisposition screen in an ostensibly healthy population. A literature search was performed for the gene, cDNA change, and amino acid change (where applicable). No publications were found based on this search. Allele frequency data from public databases was too high to be consistent with this variant causing disease. Therefore, this variant is classified as benign.

Breakthrough Genomics
Classification: Benign. Review status: criteria provided, single submitter. Criteria: ACMG Guidelines, 2015. Collection method: not provided. Allele origin: germline. Inheritance: X-linked inheritance. Affected: yes.

NM_001167.4(XIAP):c.*6422T>A

Gene: XIAP (X-linked inhibitor of apoptosis; plus strand). Cytogenetic location: Xq25.
Variant type: single nucleotide variant.
Coding change: c.*6422T>A on transcript NM_001167.4 (MANE Select); 6422 bases downstream of the stop codon, T replaced by A.
Molecular consequence: 3 prime UTR variant. On other transcripts: non-coding transcript variant (2).
Genome position (GRCh38, 1-based): chrX:123,913,603, T>A. VCF-style: chrX-123913603-T-A. GRCh37 (hg19) VCF-style: chrX-123047453-T-A.
Other names: c.*6422T>A (NM_001204401.2, NM_001378590.1, NM_001378591.1 and 1 more transcripts).
Identifiers: ClinVar variation 367863 (VCV000367863.6), dbSNP rs5911725, ClinGen allele CA10508492.
Genomic context (GRCh38, chrX:123,913,603, plus strand): 5'-TGAAGTTTGCAGATATGCCTATAGATTTTTGGAGTTTACCACTTTCTTATTCTGTATCAT[T>A]AATGTAATATTTTAAATTACTATATATGTTACCATTTTTCTGGATTTAGTAAGAAATTTG-3'